The following is an entry in ClinVar:

ClinVar aggregate classification (germline): Uncertain significance (1 of 4 stars; one submission).

Submission:

Labcorp Genetics (formerly Invitae), Labcorp
Classification: Uncertain significance. Last evaluated: 2024-12-20. Review status: criteria provided, single submitter. Criteria: Invitae Variant Classification Sherloc (09022015). Collection method: clinical testing. Allele origin: germline.
Comment: This sequence change replaces glutamine, which is neutral and polar, with leucine, which is neutral and non-polar, at codon 244 of the MGME1 protein (p.Gln244Leu). This variant is not present in population databases (gnomAD no frequency). This variant has not been reported in the literature in individuals affected with MGME1-related conditions. An algorithm developed to predict the effect of missense changes on protein structure and function (PolyPhen-2) suggests that this variant is likely to be disruptive. In summary, the available evidence is currently insufficient to determine the role of this variant in disease. Therefore, it has been classified as a Variant of Uncertain Significance.

NM_052865.4(MGME1):c.731A>T (p.Gln244Leu)

Gene: MGME1 (mitochondrial genome maintenance exonuclease 1; plus strand). Cytogenetic location: 20p11.23.
Variant type: single nucleotide variant.
Coding change: c.731A>T on transcript NM_052865.4 (MANE Select); coding-DNA position 731, A replaced by T.
Protein change: p.Gln244Leu; replaces glutamine 244 with leucine.
Molecular consequence: missense variant. On other transcripts: intron variant (1).
Genome position (GRCh38, 1-based): chr20:17,975,903, A>T. VCF-style: chr20-17975903-A-T. GRCh37 (hg19) VCF-style: chr20-17956546-A-T.
Other names: c.776A>T, p.Gln259Leu (NM_001310338.2); c.491A>T, p.Gln164Leu (NM_001363738.2); c.511+5533A>T (NM_001310339.2); short protein forms Q164L, Q244L, Q259L.
Identifiers: ClinVar variation 3726903 (VCV003726903.2).